The following is an entry in ClinVar:

NM_004519.4(KCNQ3):c.2225T>G (p.Val742Gly)

Gene: KCNQ3 (potassium voltage-gated channel subfamily Q member 3; minus strand). Cytogenetic location: 8q24.22.
Variant type: single nucleotide variant.
Coding change: c.2225T>G on transcript NM_004519.4 (MANE Select); coding-DNA position 2225, T replaced by G.
Protein change: p.Val742Gly; replaces valine 742 with glycine.
Molecular consequence: missense variant.
Genome position (GRCh38, 1-based): chr8:132,129,656, A>C on the plus strand (T>G on the coding strand, the complement: KCNQ3 is on the minus strand). VCF-style: chr8-132129656-A-C. GRCh37 (hg19) VCF-style: chr8-133141903-A-C.
Other names: c.1865T>G, p.Val622Gly (NM_001204824.2); short protein forms V742G, V622G.
Identifiers: ClinVar variation 372609 (VCV000372609.1), dbSNP rs1057517883, ClinGen allele CA16042749.

ClinVar aggregate classification (germline): Uncertain significance (1 of 4 stars; one submission).

Submission:

GeneDx
Classification: Uncertain significance. Last evaluated: 2016-12-01. Review status: criteria provided, single submitter. Criteria: GeneDx Variant Classification (06012015). Collection method: clinical testing. Allele origin: germline. Affected: yes.
Comment: A variant of uncertain significance has been identified in the KCNQ3 gene. The V742G variant has not been published as a pathogenic variant, nor has it been reported as a benign variant to our knowledge. The V742G variant is not observed in large population cohorts (Lek et al., 2016; 1000 Genomes Consortium et al., 2015; Exome Variant Server). The V742G variant is a conservative amino acid substitution, which is not likely to impact secondary protein structure as these residues share similar properties. This substitution occurs at a position that is not conserved and in silico analysis predicts this variant likely does not alter the protein structure/function. Based on the currently available information, it is unclear whether this variant is a pathogenic variant or a rare benign variant.